The following is an entry in ClinVar:

NM_001322934.2(NFKB2):c.2156G>A (p.Gly719Glu)

Gene: NFKB2 (nuclear factor kappa B subunit 2; plus strand). Cytogenetic location: 10q24.32.
Variant type: single nucleotide variant.
Coding change: c.2156G>A on transcript NM_001322934.2 (MANE Select); coding-DNA position 2156, G replaced by A.
Protein change: p.Gly719Glu; replaces glycine 719 with glutamic acid.
Molecular consequence: missense variant.
Genome position (GRCh38, 1-based): chr10:102,401,264, G>A. VCF-style: chr10-102401264-G-A. GRCh37 (hg19) VCF-style: chr10-104161021-G-A.
Other names: c.2156G>A, p.Gly719Glu (NM_001077494.3, NM_001261403.3, NM_001288724.1 and 1 more transcripts); c.2030G>A, p.Gly677Glu (NM_001322935.1); short protein forms G677E, G719E.
Identifiers: ClinVar variation 1045102 (VCV001045102.8), dbSNP rs761793192, ClinGen allele CA212218330.

ClinVar aggregate classification (germline): Uncertain significance (1 of 4 stars; one submission).

Conditions:
Immunodeficiency, common variable, 10. Also called: IMMUNODEFICIENCY, COMMON VARIABLE, WITH CENTRAL ADRENAL INSUFFICIENCY; DEFICIT IN ANTERIOR PITUITARY FUNCTION AND VARIABLE IMMUNODEFICIENCY. Identifiers: MedGen C3809991, MONDO:0014260, OMIM 615577.

Allele frequency attached by ClinVar (database versions not stated): TOPMed below 0.00001; gnomAD 0.00001; gnomAD exomes 0.00001.

Submission:

Labcorp Genetics (formerly Invitae), Labcorp
Classification: Uncertain significance for Immunodeficiency, common variable, 10. Last evaluated: 2025-10-09. Review status: criteria provided, single submitter. Criteria: Invitae Variant Classification Sherloc (09022015). Collection method: clinical testing. Allele origin: germline.
Comment: This sequence change replaces glycine, which is neutral and non-polar, with glutamic acid, which is acidic and polar, at codon 719 of the NFKB2 protein (p.Gly719Glu). This variant is present in population databases (rs761793192, gnomAD 0.0009%). This variant has not been reported in the literature in individuals affected with NFKB2-related conditions. ClinVar contains an entry for this variant (Variation ID: 1045102). An algorithm developed to predict the effect of missense changes on protein structure and function outputs the following: PolyPhen-2: "Benign". The glutamic acid amino acid residue is found in multiple mammalian species, which suggests that this missense change does not adversely affect protein function. In summary, the available evidence is currently insufficient to determine the role of this variant in disease. Therefore, it has been classified as a Variant of Uncertain Significance.